The following is an entry in ClinVar:

ClinVar aggregate classification (germline): Uncertain significance (1 of 4 stars; one submission).

Allele frequency attached by ClinVar (database versions not stated): gnomAD exomes below 0.00001; gnomAD 0.00001; TOPMed 0.00001.
gnomAD v4.1: 5 of 1,613,890 alleles (0.00031%); highest among the groups gnomAD compares: African/African-American, 0.0013%; no homozygotes.

Submission:

Labcorp Genetics (formerly Invitae), Labcorp
Classification: Uncertain significance. Last evaluated: 2022-11-15. Review status: criteria provided, single submitter. Criteria: Invitae Variant Classification Sherloc (09022015). Collection method: clinical testing. Allele origin: germline.
Comment: This sequence change replaces leucine, which is neutral and non-polar, with proline, which is neutral and non-polar, at codon 115 of the P2RY12 protein (p.Leu115Pro). This variant is not present in population databases (gnomAD no frequency). This variant has not been reported in the literature in individuals affected with P2RY12-related conditions. Algorithms developed to predict the effect of missense changes on protein structure and function (SIFT, PolyPhen-2, Align-GVGD) all suggest that this variant is likely to be disruptive. In summary, the available evidence is currently insufficient to determine the role of this variant in disease. Therefore, it has been classified as a Variant of Uncertain Significance.

NM_022788.5(P2RY12):c.344T>C (p.Leu115Pro)

Genes: MED12L (mediator complex subunit 12L; plus strand), P2RY12 (purinergic receptor P2Y12; minus strand). Cytogenetic location: 3q25.1.
Variant type: single nucleotide variant.
Coding change: c.344T>C on transcript NM_022788.5 (MANE Select); coding-DNA position 344, T replaced by C.
Protein change: p.Leu115Pro; replaces leucine 115 with proline.
Molecular consequence: missense variant. On other transcripts: intron variant (2).
Genome position (GRCh38, 1-based): chr3:151,338,502, A>G on the plus strand (T>C on the coding strand, the complement: P2RY12 is on the minus strand). VCF-style: chr3-151338502-A-G. GRCh37 (hg19) VCF-style: chr3-151056290-A-G.
Other names: c.344T>C, p.Leu115Pro (NM_176876.3); c.2251-11557A>G (NM_001393769.1); c.2146-11557A>G (NM_053002.6); short protein forms L115P.
Identifiers: ClinVar variation 2814340 (VCV002814340.3), dbSNP rs1374555502, ClinGen allele CA354982251.
Genomic context (GRCh38, chr3:151,338,502, plus strand): 5'-GGGTTGGATGTTTTAAATGGCCTGGTGGTCTTCTGGTAGCGATCGATAGTTATCAGTCCC[A>G]GGAATGAAATACTGATATACATTGTGAAATAAAATATGACGGAGGTAACTTGACACACAA-3'
Protein context (NP_073625.1, residues 105-125): YFTMYISISF[Leu115Pro]GLITIDRYQK